The following is an entry in ClinVar:

ClinVar aggregate classification (germline): Uncertain significance (1 of 4 stars; one submission).

Allele frequency attached by ClinVar (database versions not stated): gnomAD exomes 0.00001.
gnomAD v4.1: 5 of 1,613,974 alleles (0.00031%); highest among the groups gnomAD compares: Non-Finnish European, 0.00042%; no homozygotes.

Submission:

Labcorp Genetics (formerly Invitae), Labcorp
Classification: Uncertain significance. Last evaluated: 2022-07-26. Review status: criteria provided, single submitter. Criteria: Invitae Variant Classification Sherloc (09022015). Collection method: clinical testing. Allele origin: germline.
Comment: This sequence change replaces glutamine, which is neutral and polar, with leucine, which is neutral and non-polar, at codon 103 of the IMPG1 protein (p.Gln103Leu). This variant is not present in population databases (gnomAD no frequency). This variant has not been reported in the literature in individuals affected with IMPG1-related conditions. ClinVar contains an entry for this variant (Variation ID: 1524418). Algorithms developed to predict the effect of missense changes on protein structure and function are either unavailable or do not agree on the potential impact of this missense change (SIFT: "Deleterious"; PolyPhen-2: "Probably Damaging"; Align-GVGD: "Class C0"). In summary, the available evidence is currently insufficient to determine the role of this variant in disease. Therefore, it has been classified as a Variant of Uncertain Significance.

NM_001563.4(IMPG1):c.308A>T (p.Gln103Leu)

Gene: IMPG1 (interphotoreceptor matrix proteoglycan 1; minus strand). Cytogenetic location: 6q14.1.
Variant type: single nucleotide variant.
Coding change: c.308A>T on transcript NM_001563.4 (MANE Select); coding-DNA position 308, A replaced by T.
Protein change: p.Gln103Leu; replaces glutamine 103 with leucine.
Molecular consequence: missense variant.
Genome position (GRCh38, 1-based): chr6:76,034,781, T>A on the plus strand (A>T on the coding strand, the complement: IMPG1 is on the minus strand). VCF-style: chr6-76034781-T-A. GRCh37 (hg19) VCF-style: chr6-76744498-T-A.
Other names: c.74A>T, p.Gln25Leu (NM_001282368.2); short protein forms Q25L, Q103L.
Identifiers: ClinVar variation 1524418 (VCV001524418.6), dbSNP rs1783709305, ClinGen allele CA364780635.